The following is an entry in ClinVar:

NM_000257.4(MYH7):c.2884G>C (p.Ala962Pro)

Gene: MYH7 (myosin heavy chain 7; minus strand). Cytogenetic location: 14q11.2.
Variant type: single nucleotide variant.
Coding change: c.2884G>C on transcript NM_000257.4 (MANE Select); coding-DNA position 2884, G replaced by C.
Protein change: p.Ala962Pro; replaces alanine 962 with proline.
Molecular consequence: missense variant.
Genome position (GRCh38, 1-based): chr14:23,423,945, C>G on the plus strand (G>C on the coding strand, the complement: MYH7 is on the minus strand). VCF-style: chr14-23423945-C-G. GRCh37 (hg19) VCF-style: chr14-23893154-C-G.
Other names: c.2884G>C, p.Ala962Pro (NM_001407004.1); short protein forms A962P.
Identifiers: ClinVar variation 1992466 (VCV001992466.4), dbSNP rs1892587069, ClinGen allele CA389046713.
Genomic context (GRCh38, chr14:23,423,945, plus strand): 5'-AGCCAAAGGGAGCTGCCCTTACCTTGTTCTCTGTTGCGTGTTTCTCCTTCTCCACTTTGG[C>G]CAGTGTCAGCTCCAGATCATCGATGTCCCTTTTGAGCTCTGAGCACTCATCTTCCAGCTT-3'
Protein context (NP_000248.2, residues 952-972): RDIDDLELTL[Ala962Pro]KVEKEKHATE

ClinVar aggregate classification (germline): Uncertain significance (1 of 4 stars; one submission).

Conditions:
Hypertrophic cardiomyopathy. Also called: HYPERTROPHIC MYOCARDIOPATHY. Identifiers: Orphanet 217569, MedGen C0007194, MeSH D002312, MONDO:0005045, HP:0001639.

Submission:

Labcorp Genetics (formerly Invitae), Labcorp
Classification: Uncertain significance for Hypertrophic cardiomyopathy. Last evaluated: 2022-05-09. Review status: criteria provided, single submitter. Criteria: Invitae Variant Classification Sherloc (09022015). Collection method: clinical testing. Allele origin: germline.
Comment: In summary, the available evidence is currently insufficient to determine the role of this variant in disease. Therefore, it has been classified as a Variant of Uncertain Significance. Algorithms developed to predict the effect of missense changes on protein structure and function (SIFT, PolyPhen-2, Align-GVGD) all suggest that this variant is likely to be disruptive. This variant has not been reported in the literature in individuals affected with MYH7-related conditions. This variant is not present in population databases (gnomAD no frequency). This sequence change replaces alanine, which is neutral and non-polar, with proline, which is neutral and non-polar, at codon 962 of the MYH7 protein (p.Ala962Pro).